The following is an entry in ClinVar:

NM_018474.6(KIZ):c.419A>C (p.Glu140Ala)

Gene: KIZ (kizuna centrosomal protein; plus strand). Cytogenetic location: 20p11.23.
Variant type: single nucleotide variant.
Coding change: c.419A>C on transcript NM_018474.6 (MANE Select); coding-DNA position 419, A replaced by C.
Protein change: p.Glu140Ala; replaces glutamic acid 140 with alanine.
Molecular consequence: missense variant.
Genome position (GRCh38, 1-based): chr20:21,161,884, A>C. VCF-style: chr20-21161884-A-C. GRCh37 (hg19) VCF-style: chr20-21142525-A-C.
Other names: c.419A>C (NM_018474.4); c.110A>C, p.Glu37Ala (NM_001163022.3, NM_001352435.2); c.20A>C, p.Glu7Ala (NM_001163023.3); c.272A>C, p.Glu91Ala (NM_001276389.2); c.419A>C, p.Glu140Ala (NM_001352434.2); c.77A>C, p.Glu26Ala (NM_001352436.2); short protein forms E37A, E140A, E7A, E26A, E91A.
Identifiers: ClinVar variation 1463706 (VCV001463706.4), dbSNP rs370051792, ClinGen allele CA9784647.

ClinVar aggregate classification (germline): Conflicting classifications of pathogenicity. Review status: criteria provided, conflicting classifications (1 of 4 stars). 2 submissions from 2 submitters: Uncertain significance (1); Likely benign (1). Last evaluated 2025-07-16.

Allele frequency attached by ClinVar (database versions not stated): gnomAD exomes below 0.00001 and 0.00002; ExAC 0.00004; TOPMed 0.00005; gnomAD 0.00006; 1000 Genomes Project 30x 0.00016; ESP Exome Variant Server 0.00025.
gnomAD v4.1: 16 of 1,611,776 alleles (0.00099%); highest among the groups gnomAD compares: African/African-American, 0.016%; no homozygotes.

Submissions (2):

Ambry Genetics
Classification: Likely benign. Last evaluated: 2025-07-16. Review status: criteria provided, single submitter. Criteria: Ambry Variant Classification Scheme 2023. Collection method: clinical testing. Allele origin: germline.

Labcorp Genetics (formerly Invitae), Labcorp
Classification: Uncertain significance. Last evaluated: 2022-09-01. Review status: criteria provided, single submitter. Criteria: Invitae Variant Classification Sherloc (09022015). Collection method: clinical testing. Allele origin: germline.
Comment: This sequence change replaces glutamic acid, which is acidic and polar, with alanine, which is neutral and non-polar, at codon 140 of the KIZ protein (p.Glu140Ala). This variant is present in population databases (rs370051792, gnomAD 0.03%). This variant has not been reported in the literature in individuals affected with KIZ-related conditions. ClinVar contains an entry for this variant (Variation ID: 1463706). Experimental studies and prediction algorithms are not available or were not evaluated, and the functional significance of this variant is currently unknown. In summary, the available evidence is currently insufficient to determine the role of this variant in disease. Therefore, it has been classified as a Variant of Uncertain Significance.